The following is an entry in ClinVar:

NM_001371727.1(GABRB2):c.14G>A (p.Arg5Gln)

Gene: GABRB2 (gamma-aminobutyric acid type A receptor subunit beta2; minus strand). Cytogenetic location: 5q34.
Variant type: single nucleotide variant.
Coding change: c.14G>A on transcript NM_001371727.1 (MANE Select); coding-DNA position 14, G replaced by A.
Protein change: p.Arg5Gln; replaces arginine 5 with glutamine.
Molecular consequence: missense variant.
Genome position (GRCh38, 1-based): chr5:161,546,630, C>T on the plus strand (G>A on the coding strand, the complement: GABRB2 is on the minus strand). VCF-style: chr5-161546630-C-T. GRCh37 (hg19) VCF-style: chr5-160973636-C-T.
Other names: c.14G>A, p.Arg5Gln (NM_000813.3, NM_021911.3); short protein forms R5Q.
Identifiers: ClinVar variation 4691122 (VCV004691122.1).

ClinVar aggregate classification (germline): Uncertain significance (1 of 4 stars; one submission).

Conditions:
Intellectual disability. Also called: Intellectual functioning disability; intellectual disabilities; Intellectual developmental disorder. Identifiers: MedGen C3714756, MeSH D008607, MONDO:0001071, HP:0001249.

Submission:

Labcorp Genetics (formerly Invitae), Labcorp
Classification: Uncertain significance for Intellectual disability. Last evaluated: 2025-06-15. Review status: criteria provided, single submitter. Criteria: Invitae Variant Classification Sherloc (09022015). Collection method: clinical testing. Allele origin: germline.
Comment: This sequence change replaces arginine, which is basic and polar, with glutamine, which is neutral and polar, at codon 5 of the GABRB2 protein (p.Arg5Gln). This variant is not present in population databases (gnomAD no frequency). This variant has not been reported in the literature in individuals affected with GABRB2-related conditions. Invitae Evidence Modeling of protein sequence and biophysical properties (such as structural, functional, and spatial information, amino acid conservation, physicochemical variation, residue mobility, and thermodynamic stability) indicates that this missense variant is not expected to disrupt GABRB2 protein function with a negative predictive value of 95%. In summary, the available evidence is currently insufficient to determine the role of this variant in disease. Therefore, it has been classified as a Variant of Uncertain Significance.